The following is an entry in ClinVar:

ClinVar aggregate classification (germline): Uncertain significance (1 of 4 stars; one submission).

Conditions:
Hereditary cancer-predisposing syndrome. Also called: Tumor predisposition; Hereditary neoplastic syndrome; Hereditary Cancer Syndrome; Neoplastic Syndromes, Hereditary. Identifiers: Orphanet 140162, MedGen C0027672, MeSH D009386, MONDO:0015356.

Submission:

Ambry Genetics
Classification: Uncertain significance for Hereditary cancer-predisposing syndrome. Last evaluated: 2025-05-19. Review status: criteria provided, single submitter. Criteria: Ambry Variant Classification Scheme 2023. Collection method: clinical testing. Allele origin: germline.
Comment: The p.N723D variant (also known as c.2167A>G), located in coding exon 12 of the RET gene, results from an A to G substitution at nucleotide position 2167. The asparagine at codon 723 is replaced by aspartic acid, an amino acid with highly similar properties. This amino acid position is conserved. In addition, the in silico prediction for this alteration is inconclusive. Based on the available evidence, the clinical significance of this variant remains unclear.

NM_020975.6(RET):c.2167A>G (p.Asn723Asp)

Gene: RET (ret proto-oncogene; plus strand). Cytogenetic location: 10q11.21.
Variant type: single nucleotide variant.
Coding change: c.2167A>G on transcript NM_020975.6 (MANE Select); coding-DNA position 2167, A replaced by G.
Protein change: p.Asn723Asp; replaces asparagine 723 with aspartic acid.
Molecular consequence: missense variant.
Genome position (GRCh38, 1-based): chr10:43,116,614, A>G. VCF-style: chr10-43116614-A-G. GRCh37 (hg19) VCF-style: chr10-43612062-A-G.
Other names: c.1879A>G, p.Asn627Asp (NM_001406770.1, NM_001406766.1, NM_001406767.1); c.1729A>G, p.Asn577Asp (NM_001406771.1, NM_001406773.1); c.1771A>G, p.Asn591Asp (NM_001406772.1, NM_001406769.1); c.1642A>G, p.Asn548Asp (NM_001406774.1); c.1441A>G, p.Asn481Asp (NM_001406775.1, NM_001406776.1, NM_001406777.1 and 1 more transcripts); c.1270A>G, p.Asn424Asp (NM_001406779.1, NM_001406780.1, NM_001406781.1 and 1 more transcripts); c.1405A>G, p.Asn469Asp (NM_001355216.2); c.2167A>G, p.Asn723Asp (NM_001406743.1, NM_001406744.1, NM_001406759.1 and 2 more transcripts); and 10 more; short protein forms N240D, N328D, N481D, N627D, N680D, N379D, N384D, N393D.
Identifiers: ClinVar variation 3944709 (VCV003944709.1).